The following is an entry in ClinVar:

ClinVar aggregate classification (germline): Uncertain significance. Review status: criteria provided, multiple submitters, no conflicts (2 of 4 stars). 3 submissions from 3 submitters: Uncertain significance (3). Last evaluated 2025-02-17.

Conditions:
Hereditary cancer-predisposing syndrome. Also called: Tumor predisposition; Neoplastic Syndromes, Hereditary; Hereditary Cancer Syndrome; Hereditary neoplastic syndrome. Identifiers: Orphanet 140162, MedGen C0027672, MeSH D009386, MONDO:0015356.
Familial cancer of breast. Also called: BREAST CANCER, FAMILIAL; Hereditary breast cancer; hereditary breast carcinoma. Identifiers: Orphanet 227535, MedGen C0346153, MONDO:0016419, OMIM 114480. Disease mechanism: loss of function.
Fanconi anemia complementation group J. Also called: BRIP1-Related Fanconi Anemia. Identifiers: Orphanet 84, MedGen C1836860, MONDO:0012187, OMIM 609054.

Submissions (3):

Labcorp Genetics (formerly Invitae), Labcorp
Classification: Uncertain significance for Familial cancer of breast; Fanconi anemia complementation group J. Last evaluated: 2025-02-17. Review status: criteria provided, single submitter. Criteria: Invitae Variant Classification Sherloc (09022015). Collection method: clinical testing. Allele origin: germline.
Comment: This sequence change replaces glutamine, which is neutral and polar, with arginine, which is basic and polar, at codon 322 of the BRIP1 protein (p.Gln322Arg). This variant is not present in population databases (gnomAD no frequency). This variant has not been reported in the literature in individuals affected with BRIP1-related conditions. ClinVar contains an entry for this variant (Variation ID: 629998). Invitae Evidence Modeling of protein sequence and biophysical properties (such as structural, functional, and spatial information, amino acid conservation, physicochemical variation, residue mobility, and thermodynamic stability) indicates that this missense variant is not expected to disrupt BRIP1 protein function with a negative predictive value of 95%. In summary, the available evidence is currently insufficient to determine the role of this variant in disease. Therefore, it has been classified as a Variant of Uncertain Significance.

Color Diagnostics, LLC DBA Color Health
Classification: Uncertain significance for Hereditary cancer-predisposing syndrome. Last evaluated: 2024-03-06. Review status: criteria provided, single submitter. Criteria: ACMG Guidelines, 2015. Collection method: clinical testing. Allele origin: germline.
Comment: This missense variant replaces glutamine with arginine at codon 322 of the BRIP1 protein. Computational prediction suggests that this variant may not impact protein structure and function (internally defined REVEL score threshold <= 0.5, PMID: 27666373). To our knowledge, functional studies have not been reported for this variant. This variant has not been reported in individuals affected with hereditary cancer in the literature. This variant has not been identified in the general population by the Genome Aggregation Database (gnomAD). The available evidence is insufficient to determine the role of this variant in disease conclusively. Therefore, this variant is classified as a Variant of Uncertain Significance.

Ambry Genetics
Classification: Uncertain significance for Hereditary cancer-predisposing syndrome. Last evaluated: 2024-01-16. Review status: criteria provided, single submitter. Criteria: Ambry Variant Classification Scheme 2023. Collection method: clinical testing. Allele origin: germline.

NM_032043.3(BRIP1):c.965A>G (p.Gln322Arg)

Gene: BRIP1 (BRCA1 interacting DNA helicase 1; minus strand). Cytogenetic location: 17q23.2.
Variant type: single nucleotide variant.
Coding change: c.965A>G on transcript NM_032043.3 (MANE Select); coding-DNA position 965, A replaced by G.
Protein change: p.Gln322Arg; replaces glutamine 322 with arginine.
Molecular consequence: missense variant.
Genome position (GRCh38, 1-based): chr17:61,801,428, T>C on the plus strand (A>G on the coding strand, the complement: BRIP1 is on the minus strand). VCF-style: chr17-61801428-T-C. GRCh37 (hg19) VCF-style: chr17-59878789-T-C.
Other names: short protein forms Q322R.
Identifiers: ClinVar variation 629998 (VCV000629998.9), dbSNP rs1567832102, ClinGen allele CA400484222.